The following is an entry in ClinVar:

NM_000520.6(HEXA):c.748G>A (p.Gly250Ser)

Gene: HEXA (hexosaminidase subunit alpha; minus strand). Cytogenetic location: 15q23.
Variant type: single nucleotide variant.
Coding change: c.748G>A on transcript NM_000520.6 (MANE Select); coding-DNA position 748, G replaced by A.
Protein change: p.Gly250Ser; replaces glycine 250 with serine.
Molecular consequence: missense variant. On other transcripts: non-coding transcript variant (1).
Genome position (GRCh38, 1-based): chr15:72,350,575, C>T on the plus strand (G>A on the coding strand, the complement: HEXA is on the minus strand). VCF-style: chr15-72350575-C-T. GRCh37 (hg19) VCF-style: chr15-72642916-C-T.
Other names: c.781G>A, p.Gly261Ser (NM_001318825.2); short protein forms G250S, G261S.
Identifiers: ClinVar variation 381668 (VCV000381668.11), dbSNP rs1057521137, ClinGen allele CA16606775.

ClinVar aggregate classification (germline): Conflicting classifications of pathogenicity. Review status: criteria provided, conflicting classifications (1 of 4 stars). 6 submissions from 6 submitters: Pathogenic (1); Likely pathogenic (2); Uncertain significance (2). 1 of the submissions does not count toward it. Last evaluated 2025-12-11.

Conditions:
Tay-Sachs disease (TSD). Also called: HEXA DEFICIENCY; GM2 gangliosidosis, type 1; Hexosaminidase alpha-subunit deficiency (variant B); Sphingolipidosis, Tay-Sachs; Hexosaminidase A Deficiency; HEXA Disorders. Identifiers: Orphanet 845, MedGen C0039373, MONDO:0010100, OMIM 272800.

Allele frequency attached by ClinVar (database versions not stated): TOPMed below 0.00001.

Submissions (6):

Natera, Inc.
Classification: Likely pathogenic for Tay-Sachs disease. Last evaluated: 2025-12-11. Review status: criteria provided, single submitter. Criteria: Natera Variant Classification Schema (03/2026). Collection method: clinical testing. Allele origin: germline.
Comment: The c.748G>A variant in HEXA is a missense variant predicted to cause substitution of glycine to serine at amino acid 250. This variant is rare in the general population with a frequency below the threshold expected for the associated phenotype(s). Functional studies show that this variant may disrupt protein function (PMID: 17259242). A different variant at the same position has been determined to be Pathogenic or Likely Pathogenic. Computational prediction algorithms indicate this variant is likely to affect gene or protein function. Given the available evidence, this variant is classified as Likely Pathogenic.

Women's Health and Genetics/Laboratory Corporation of America, LabCorp
Classification: Uncertain significance. Last evaluated: 2024-01-17. Review status: criteria provided, single submitter. Criteria: LabCorp Variant Classification Summary - May 2015. Collection method: clinical testing. Allele origin: germline.
Comment: Variant summary: HEXA c.748G>A (p.Gly250Ser) results in a non-conservative amino acid change located in the Glycoside hydrolase family 20, catalytic domain (IPR015883) of the encoded protein sequence. Five of five in-silico tools predict a damaging effect of the variant on protein function. The variant was absent in 251484 control chromosomes. To our knowledge, c.748G>A has not been reported in the literature in individuals affected with Tay-Sachs Disease. At least one publication reports experimental evidence evaluating an impact on protein function, showing the variant results in 10%-15% of normal enzymatic activity in vitro (e.g. Martin_2007). The following publication has been ascertained in the context of this evaluation (PMID: 17259242). ClinVar contains an entry for this variant (Variation ID: 381668). Based on the evidence outlined above, the variant was classified as VUS-possibly pathogenic.

Labcorp Genetics (formerly Invitae), Labcorp
Classification: Uncertain significance for Tay-Sachs disease. Last evaluated: 2022-07-21. Review status: criteria provided, single submitter. Criteria: Invitae Variant Classification Sherloc (09022015). Collection method: clinical testing. Allele origin: germline.
Comment: This sequence change replaces glycine, which is neutral and non-polar, with serine, which is neutral and polar, at codon 250 of the HEXA protein (p.Gly250Ser). This variant is not present in population databases (gnomAD no frequency). This variant has not been reported in the literature in individuals affected with HEXA-related conditions. ClinVar contains an entry for this variant (Variation ID: 381668). Advanced modeling of protein sequence and biophysical properties (such as structural, functional, and spatial information, amino acid conservation, physicochemical variation, residue mobility, and thermodynamic stability) performed at Invitae indicates that this missense variant is expected to disrupt HEXA protein function. Experimental studies have shown that this missense change affects HEXA function (PMID: 17259242). In summary, the available evidence is currently insufficient to determine the role of this variant in disease. Therefore, it has been classified as a Variant of Uncertain Significance.

Genetic Services Laboratory, University of Chicago
Classification: Likely pathogenic. Last evaluated: 2021-10-12. Review status: criteria provided, single submitter. Criteria: ACMG Guidelines, 2015. Collection method: clinical testing. Allele origin: germline. Affected: yes.
Comment: DNA sequence analysis of the HEXA gene demonstrated a sequence change, c.748G>A, in exon 7 that results in an amino acid change, p.Gly250Ser. This sequence change is absent in the gnomAD population database. This sequence change does not appear to have been described in individuals with HEXA-related disorders. However, a different sequence change affecting the same amino acid residue (p.Gly250Asp) has been described in a family with juvenile onset Tay Sachs disease (PMID: 1301189). The p.Gly250Ser change affects a highly conserved amino acid residue located in a domain of the HEXA protein that is known to be functional. The p.Gly250Ser substitution appears to be deleterious using several in-silico pathogenicity prediction tools (SIFT, PolyPhen2, Align GVGD, REVEL). Functional studies show p.Gly250Ser disrupts the activity of the HEXA protein (PMIDs: 7717398, 17259242). Collectively this evidence indicates p.Gly250Ser is likely pathogenic.

GeneDx
Classification: Pathogenic. Last evaluated: 2019-09-17. Review status: criteria provided, single submitter. Criteria: GeneDx Variant Classification Process June 2021. Collection method: clinical testing. Allele origin: germline. Affected: yes.
Comment: Published functional studies demonstrate a damaging effect; Enzymatic activity in a cell model demonstrated a decrease to 4% of WT.; Not observed in large population cohorts (Lek et al., 2016); The majority of missense variants in this gene are considered pathogenic (Stenson et al., 2014); In silico analysis, which includes protein predictors and evolutionary conservation, supports a deleterious effect; This variant is associated with the following publications: (PMID: 17259242, 7717398)

Counsyl
Classification: Uncertain significance for Tay-Sachs disease. Last evaluated: 2017-12-14. Review status: no assertion criteria provided. Collection method: clinical testing. Allele origin: unknown. Not counted in ClinVar's aggregate classification.

Literature cited by the submitters: PubMed 17259242 (cited by 4 submitters); PubMed 7717398 (cited by Counsyl).